The following is an entry in ClinVar:

ClinVar aggregate classification (germline): Conflicting classifications of pathogenicity. Review status: criteria provided, conflicting classifications (1 of 4 stars). 5 submissions from 5 submitters: Uncertain significance (4); Likely benign (1). Last evaluated 2025-12-22.

Conditions:
DSP-related disorder. Also called: DSP-related disorders; DSP-related condition.
Arrhythmogenic cardiomyopathy with wooly hair and keratoderma. Also called: Arrhythmogenic cardiomyopathy with woolly hair and keratoderma; Carvajal syndrome; Dilated cardiomyopathy with woolly hair and keratoderma; PALMOPLANTAR KERATODERMA WITH LEFT VENTRICULAR CARDIOMYOPATHY AND WOOLLY HAIR. Identifiers: Orphanet 65282, MedGen C1854063, MONDO:0011581, OMIM 605676.
Arrhythmogenic right ventricular dysplasia 8 (ARVD8). Also called: Arrhythmogenic Right Ventricular Dysplasia/Cardiomyopathy 8; ARRHYTHMOGENIC RIGHT VENTRICULAR DYSPLASIA, FAMILIAL, 8; ARRHYTHMOGENIC RIGHT VENTRICULAR CARDIOMYOPATHY 8. Identifiers: MedGen C1843896, MONDO:0011831, OMIM 607450.
Cardiomyopathy (CMYO). Also called: Cardiomyopathies. Identifiers: Orphanet 167848, MedGen C0878544, MONDO:0004994, HP:0001638. Inheritance: Various modes of inheritance.
Cardiovascular phenotype. Identifiers: MedGen CN230736.

Allele frequency attached by ClinVar (database versions not stated): gnomAD exomes below 0.00001; ExAC 0.00001; TOPMed 0.00002.
gnomAD v4.1: 2 of 1,614,158 alleles (0.00012%); highest among the groups gnomAD compares: African/African-American, 0.0027%; no homozygotes.

Submissions (5):

PreventionGenetics, part of Exact Sciences
Classification: Uncertain significance for DSP-related condition. Last evaluated: 2025-12-22. Review status: criteria provided, single submitter. Criteria: ACMG Guidelines, 2015. Collection method: clinical testing. Allele origin: germline.
Comment: The DSP c.5061G>C variant is predicted to result in the amino acid substitution p.Lys1687Asn. To our knowledge, this variant has not been reported in the literature. This variant is reported in 0.0062% of alleles in individuals of African descent in gnomAD. At this time, the clinical significance of this variant is uncertain due to the absence of conclusive functional and genetic evidence.

Color Diagnostics, LLC DBA Color Health
Classification: Uncertain significance for Cardiomyopathy. Last evaluated: 2025-06-17. Review status: criteria provided, single submitter. Criteria: ACMG Guidelines, 2015. Collection method: clinical testing. Allele origin: germline.
Comment: This missense variant replaces lysine with asparagine at codon 1687 of the DSP protein. Computational prediction suggests that this variant may not impact protein structure and function. To our knowledge, functional studies have not been reported for this variant. This variant has not been reported in individuals affected with DSP-related disorders in the literature. This variant has been identified in 1/250802 chromosomes in the general population by the Genome Aggregation Database (gnomAD). The available evidence is insufficient to determine the role of this variant in disease conclusively. Therefore, this variant is classified as a Variant of Uncertain Significance.

Labcorp Genetics (formerly Invitae), Labcorp
Classification: Likely benign for Arrhythmogenic cardiomyopathy with wooly hair and keratoderma; Arrhythmogenic right ventricular dysplasia 8. Last evaluated: 2025-04-24. Review status: criteria provided, single submitter. Criteria: Invitae Variant Classification Sherloc (09022015). Collection method: clinical testing. Allele origin: germline.

All of Us Research Program, National Institutes of Health
Classification: Uncertain significance for Arrhythmogenic cardiomyopathy with wooly hair and keratoderma. Last evaluated: 2023-08-28. Review status: criteria provided, single submitter. Criteria: ACMG Guidelines, 2015. Collection method: clinical testing. Allele origin: germline. Inheritance: Autosomal dominant inheritance. Observed: 2 variant alleles, 2 heterozygotes.
Comment: This missense variant replaces lysine with asparagine at codon 1687 of the DSP protein. Computational prediction suggests that this variant may not impact protein structure and function (internally defined REVEL score threshold <= 0.5, PMID: 27666373). To our knowledge, functional studies have not been reported for this variant. This variant has not been reported in individuals affected with DSP-related disorders in the literature. This variant has been identified in 1/250802 chromosomes in the general population by the Genome Aggregation Database (gnomAD). The available evidence is insufficient to determine the role of this variant in disease conclusively. Therefore, this variant is classified as a Variant of Uncertain Significance.

This study involves interpretation of variants in research participants for the purpose of population health screening. Participant phenotype was not available at the time of variant classification. Additional details can be found in publication PMID: 35346344, PMCID: PMC8962531

Ambry Genetics
Classification: Uncertain significance for Cardiovascular phenotype. Last evaluated: 2023-06-01. Review status: criteria provided, single submitter. Criteria: Ambry Variant Classification Scheme 2023. Collection method: clinical testing. Allele origin: germline.
Comment: The p.K1687N variant (also known as c.5061G>C), located in coding exon 23 of the DSP gene, results from a G to C substitution at nucleotide position 5061. The lysine at codon 1687 is replaced by asparagine, an amino acid with similar properties. This amino acid position is conserved. In addition, this alteration is predicted to be tolerated by in silico analysis. Since supporting evidence is limited at this time, the clinical significance of this alteration remains unclear.

NM_004415.4(DSP):c.5061G>C (p.Lys1687Asn)

Gene: DSP (desmoplakin; plus strand). Cytogenetic location: 6p24.3.
Variant type: single nucleotide variant.
Coding change: c.5061G>C on transcript NM_004415.4 (MANE Select); coding-DNA position 5061, G replaced by C.
Protein change: p.Lys1687Asn; replaces lysine 1687 with asparagine.
Molecular consequence: missense variant. On other transcripts: intron variant (2).
Genome position (GRCh38, 1-based): chr6:7,581,251, G>C. VCF-style: chr6-7581251-G-C. GRCh37 (hg19) VCF-style: chr6-7581484-G-C.
Other names: c.5061G>C (NM_004415.2, NM_004415.3); c.4050+1011G>C (NM_001319034.2); c.3583-1391G>C (NM_001008844.3); short protein forms K1687N.
Identifiers: ClinVar variation 1040823 (VCV001040823.12), dbSNP rs754404501, ClinGen allele CA043795.